The following is an entry in ClinVar:

ClinVar aggregate classification (germline): Uncertain significance (1 of 4 stars; one submission).

Conditions:
Inborn genetic diseases. Identifiers: MedGen C0950123, MeSH D030342.

Submission:

Ambry Genetics
Classification: Uncertain significance for Inborn genetic diseases. Last evaluated: 2026-05-19. Review status: criteria provided, single submitter. Criteria: Ambry Variant Classification Scheme 2023. Collection method: clinical testing. Allele origin: germline.
Comment: The p.A1327T variant (also known as c.3979G>A), located in coding exon 13 of the ASXL1 gene, results from a G to A substitution at nucleotide position 3979. The alanine at codon 1327 is replaced by threonine, an amino acid with similar properties. This amino acid position is conserved. In addition, this alteration is predicted to be tolerated by in silico analysis. Based on the available evidence, the clinical significance of this variant remains unclear.

NM_015338.6(ASXL1):c.3979G>A (p.Ala1327Thr)

Gene: ASXL1 (ASXL transcriptional regulator 1; plus strand). Cytogenetic location: 20q11.21.
Variant type: single nucleotide variant.
Coding change: c.3979G>A on transcript NM_015338.6 (MANE Select); coding-DNA position 3979, G replaced by A.
Protein change: p.Ala1327Thr; replaces alanine 1327 with threonine.
Molecular consequence: missense variant.
Genome position (GRCh38, 1-based): chr20:32,436,691, G>A. VCF-style: chr20-32436691-G-A. GRCh37 (hg19) VCF-style: chr20-31024494-G-A.
Other names: c.3796G>A, p.Ala1266Thr (NM_001363734.1); short protein forms A1266T, A1327T.
Identifiers: ClinVar variation 4864698 (VCV004864698.1).